The following is an entry in ClinVar:

ClinVar aggregate classification (germline): Uncertain significance (1 of 4 stars; one submission).

Submission:

Ambry Genetics
Classification: Uncertain significance. Last evaluated: 2026-09-08. Review status: criteria provided, single submitter. Criteria: Ambry Variant Classification Scheme 2023. Collection method: clinical testing. Allele origin: germline.
Comment: The p.G1483E variant (also known as c.4448G>A), located in coding exon 14 of the CDK12 gene, results from a G to A substitution at nucleotide position 4448. The glycine at codon 1483 is replaced by glutamic acid, an amino acid with similar properties. This amino acid position is conserved. In addition, this alteration is predicted to be deleterious by in silico analysis. Based on the available evidence, the clinical significance of this variant remains unclear.

NM_016507.4(CDK12):c.4448G>A (p.Gly1483Glu)

Gene: CDK12 (cyclin dependent kinase 12; plus strand). Cytogenetic location: 17q12.
Variant type: single nucleotide variant.
Coding change: c.4448G>A on transcript NM_016507.4 (MANE Select); coding-DNA position 4448, G replaced by A.
Protein change: p.Gly1483Glu; replaces glycine 1483 with glutamic acid.
Molecular consequence: missense variant.
Genome position (GRCh38, 1-based): chr17:39,531,291, G>A. VCF-style: chr17-39531291-G-A. GRCh37 (hg19) VCF-style: chr17-37687544-G-A.
Other names: c.4421G>A, p.Gly1474Glu (NM_015083.4); short protein forms G1474E, G1483E.
Identifiers: ClinVar variation 5034195 (VCV005034195.1).